The following is an entry in ClinVar:

ClinVar aggregate classification (germline): Likely benign. Review status: criteria provided, multiple submitters, no conflicts (2 of 4 stars). 3 submissions from 3 submitters: Likely benign (3). Last evaluated 2026-07-23.

Conditions:
XPR1-related disorder. Also called: XPR1-related condition.

Allele frequency attached by ClinVar (database versions not stated): ExAC 0.00002; TOPMed 0.00004; gnomAD 0.00005 and 0.00006.
gnomAD v4.1: 70 of 1,613,086 alleles (0.0043%); highest among the groups gnomAD compares: Non-Finnish European, 0.0057%; no homozygotes.

Submissions (3):

PreventionGenetics, part of Exact Sciences
Classification: Likely benign for XPR1-related condition. Last evaluated: 2026-07-23. Review status: criteria provided, single submitter. Criteria: ACMG Guidelines, 2015. Collection method: clinical testing. Allele origin: germline.
Comment: This variant is classified as likely benign based on ACMG/AMP sequence variant interpretation guidelines (Richards et al. 2015 PMID: 25741868, with internal and published modifications).

Labcorp Genetics (formerly Invitae), Labcorp
Classification: Likely benign. Last evaluated: 2025-12-22. Review status: criteria provided, single submitter. Criteria: Invitae Variant Classification Sherloc (09022015). Collection method: clinical testing. Allele origin: germline.

Women's Health and Genetics/Laboratory Corporation of America, LabCorp
Classification: Likely benign. Last evaluated: 2025-07-01. Review status: criteria provided, single submitter. Criteria: LabCorp Variant Classification Summary - May 2015. Collection method: clinical testing. Allele origin: germline.

NM_004736.4(XPR1):c.1111C>A (p.Arg371=)

Gene: XPR1 (xenotropic and polytropic retrovirus receptor 1; plus strand). Cytogenetic location: 1q25.3.
Variant type: single nucleotide variant.
Coding change: c.1111C>A on transcript NM_004736.4 (MANE Select); coding-DNA position 1111, C replaced by A.
Protein change: p.Arg371=; no amino-acid change (arginine 371 retained).
Molecular consequence: synonymous variant. On other transcripts: non-coding transcript variant (1).
Genome position (GRCh38, 1-based): chr1:180,825,321, C>A. VCF-style: chr1-180825321-C-A. GRCh37 (hg19) VCF-style: chr1-180794457-C-A.
Other names: c.1111C>A, p.Arg371= (NM_001135669.2, NM_001328662.2); c.1111C>A (NM_004736.3).
Identifiers: ClinVar variation 1431009 (VCV001431009.9), dbSNP rs760728379, ClinGen allele CA1272683.